The following is an entry in ClinVar:

NM_000051.4(ATM):c.5384G>A (p.Trp1795Ter)

Gene: ATM (ATM serine/threonine kinase; plus strand). Cytogenetic location: 11q22.3.
Variant type: single nucleotide variant.
Coding change: c.5384G>A on transcript NM_000051.4 (MANE Select); coding-DNA position 5384, G replaced by A.
Protein change: p.Trp1795Ter; replaces tryptophan 1795 with a stop codon.
Molecular consequence: nonsense.
Genome position (GRCh38, 1-based): chr11:108,302,917, G>A. VCF-style: chr11-108302917-G-A. GRCh37 (hg19) VCF-style: chr11-108173644-G-A.
Other names: c.5384G>A, p.Trp1795Ter (NM_001351834.2); short protein forms W1795*.
Identifiers: ClinVar variation 4617084 (VCV004617084.1).

ClinVar aggregate classification (germline): Pathogenic (1 of 4 stars; one submission).

Conditions:
Hereditary cancer-predisposing syndrome. Also called: Neoplastic Syndromes, Hereditary; Tumor predisposition; Hereditary Cancer Syndrome; Hereditary neoplastic syndrome. Identifiers: Orphanet 140162, MedGen C0027672, MeSH D009386, MONDO:0015356.

Submission:

Ambry Genetics
Classification: Pathogenic for Hereditary cancer-predisposing syndrome. Last evaluated: 2025-09-18. Review status: criteria provided, single submitter. Criteria: Ambry Variant Classification Scheme 2023. Collection method: clinical testing. Allele origin: germline.
Comment: The p.W1795* pathogenic mutation (also known as c.5384G>A), located in coding exon 35 of the ATM gene, results from a G to A substitution at nucleotide position 5384. This changes the amino acid from a tryptophan to a stop codon within coding exon 35. This variant is considered to be rare based on population cohorts in the Genome Aggregation Database (gnomAD). This alteration is expected to result in loss of function by premature protein truncation or nonsense-mediated mRNA decay. As such, this alteration is interpreted as a disease-causing mutation.